The following is an entry in ClinVar:

ClinVar aggregate classification (germline): Pathogenic/Likely pathogenic. Review status: criteria provided, multiple submitters, no conflicts (2 of 4 stars). 2 submissions from 2 submitters: Pathogenic (1); Likely pathogenic (1). Last evaluated 2024-04-25.

Submissions (2):

GeneDx
Classification: Likely pathogenic. Last evaluated: 2024-04-25. Review status: criteria provided, single submitter. Criteria: GeneDx Variant Classification Process June 2021. Collection method: clinical testing. Allele origin: germline. Affected: yes.
Comment: Canonical splice site variant predicted to result in an in-frame loss of the adjacent exon in a gene for which loss of function is a known mechanism of disease; Not observed at significant frequency in large population cohorts (gnomAD); This variant is associated with the following publications: (PMID: 33437033, 26150605)

Molecular Genetics of Inherited Kidney Disorders Laboratory, Garvan Institute of Medical Research
Classification: Pathogenic. Last evaluated: 2019-01-01. Review status: criteria provided, single submitter. Criteria: ACMG Guidelines, 2015. Collection method: clinical testing. Allele origin: germline. Affected: yes.

NM_001009944.3(PKD1):c.9398-1G>C

Gene: PKD1 (polycystin 1, transient receptor potential channel interacting; minus strand). Cytogenetic location: 16p13.3.
Variant type: single nucleotide variant.
Coding change: c.9398-1G>C on transcript NM_001009944.3 (MANE Select); the canonical splice acceptor site of the intron before coding-DNA position 9398, G replaced by C.
Molecular consequence: splice acceptor variant.
Genome position (GRCh38, 1-based): chr16:2,100,567, C>G on the plus strand (G>C on the coding strand, the complement: PKD1 is on the minus strand). VCF-style: chr16-2100567-C-G. GRCh37 (hg19) VCF-style: chr16-2150568-C-G.
Other names: c.9398-1G>C (NM_000296.4).
Identifiers: ClinVar variation 972834 (VCV000972834.2), dbSNP rs1555449642, ClinGen allele CA394356710.